The following is an entry in ClinVar:

ClinVar aggregate classification (germline): not provided. Review status: no classification provided (0 of 4 stars). 2 submissions from 2 submitters: not provided (1). 1 of the submissions does not count toward it.

Conditions:
Glaucoma 1, open angle, F (GLC1F). Identifiers: MedGen C1863926, OMIM 603383, MONDO:0011311.

Submissions (2):

Casey Eye Institute Glaucoma Genetics Lab 
No classification provided. Condition: Glaucoma 1, open angle, F. Review status: no classification provided. Collection method: not provided. Allele origin: not provided.
Comment: test comment3

OMIM
Classification: Pathogenic for GLAUCOMA 1, OPEN ANGLE, F. Last evaluated: 2012-03-15. Review status: flagged submission. Collection method: literature only. Allele origin: germline. Not counted in ClinVar's aggregate classification.
ClinVar note: Notes: Flagging candidate with reason of insufficient supporting evidence. This gene has been classified as having a limited gene-disease relationship by a ClinGen Expert Panel.
ClinVar note: Reason: Other

Literature cited by the submitters: PubMed 22156576 (cited by OMIM).

NM_001142459.2(ASB10):c.564C>A (p.Cys188Ter)

Gene: ASB10 (ankyrin repeat and SOCS box containing 10; minus strand). Cytogenetic location: 7q36.1.
Variant type: single nucleotide variant.
Coding change: c.564C>A on transcript NM_001142459.2 (MANE Select); coding-DNA position 564, C replaced by A.
Protein change: p.Cys188Ter; replaces cysteine 188 with a stop codon.
Molecular consequence: nonsense.
Genome position (GRCh38, 1-based): chr7:151,186,412, G>T on the plus strand (C>A on the coding strand, the complement: ASB10 is on the minus strand). VCF-style: chr7-151186412-G-T. GRCh37 (hg19) VCF-style: chr7-150883499-G-T.
Other names: c.564C>A, p.Cys188Ter (NM_001142460.1); c.519C>A, p.Cys173Ter (NM_080871.4); short protein forms C173*, C188*.
Identifiers: ClinVar variation 50952 (VCV000050952.1), dbSNP rs151344606, ClinGen allele CA143897.